The following is an entry in ClinVar:

NM_005994.4(TBX2):c.2083G>A (p.Val695Met)

Gene: TBX2 (T-box transcription factor 2; plus strand). Cytogenetic location: 17q23.2.
Variant type: single nucleotide variant.
Coding change: c.2083G>A on transcript NM_005994.4 (MANE Select); coding-DNA position 2083, G replaced by A.
Protein change: p.Val695Met; replaces valine 695 with methionine.
Molecular consequence: missense variant.
Genome position (GRCh38, 1-based): chr17:61,408,450, G>A. VCF-style: chr17-61408450-G-A. GRCh37 (hg19) VCF-style: chr17-59485811-G-A.
Other names: short protein forms V695M.
Identifiers: ClinVar variation 3338544 (VCV003338544.1).

ClinVar aggregate classification (germline): Uncertain significance (1 of 4 stars; one submission).

gnomAD v4.1: 1 of 1,490,360 alleles (0.000067%); highest among the groups gnomAD compares: Non-Finnish European, 0.00009%; no homozygotes.

Submission:

Greenwood Genetic Center Diagnostic Laboratories, Greenwood Genetic Center
Classification: Uncertain significance. Last evaluated: 2024-04-08. Review status: criteria provided, single submitter. Criteria: ACMG Guidelines, 2015. Collection method: clinical testing. Allele origin: germline. Affected: yes.
Comment: PM2, PP3